The following is an entry in ClinVar:

NM_031439.4(SOX7):c.663C>T (p.Ser221=)

Gene: SOX7 (SRY-box transcription factor 7). Cytogenetic location: 8p23.1.
Variant type: single nucleotide variant.
Coding change: c.663C>T on transcript NM_031439.4 (MANE Select); coding-DNA position 663, C replaced by T.
Protein change: p.Ser221=; no amino-acid change (serine 221 retained).
Molecular consequence: synonymous variant.
Genome position (GRCh38, 1-based): chr8:10,726,242, G>A on the plus strand (C>T on the coding strand, the complement: SOX7 is on the minus strand). VCF-style: chr8-10726242-G-A. GRCh37 (hg19) VCF-style: chr8-10583752-G-A.
Identifiers: ClinVar variation 3035084 (VCV003035084.2), dbSNP rs79762127, ClinGen allele CA4626521.

ClinVar aggregate classification (germline): Likely benign (0 of 4 stars; one submission).

Conditions:
SOX7-related disorder. Also called: SOX7-related condition.

Allele frequency attached by ClinVar (database versions not stated): gnomAD exomes 0.00008; ExAC 0.00034; gnomAD 0.00093; TOPMed 0.00110; ESP Exome Variant Server 0.00131; 1000 Genomes Project 0.00140; 1000 Genomes Project 30x 0.00172.
gnomAD v4.1: 272 of 1,613,832 alleles (0.017%); highest among the groups gnomAD compares: African/African-American, 0.33%; no homozygotes.

Submission:

PreventionGenetics, part of Exact Sciences
Classification: Likely benign for SOX7-related condition. Last evaluated: 2023-05-23. Review status: no assertion criteria provided. Collection method: clinical testing. Allele origin: germline.
Comment: This variant is classified as likely benign based on ACMG/AMP sequence variant interpretation guidelines (Richards et al. 2015 PMID: 25741868, with internal and published modifications).